The following is an entry in ClinVar:

ClinVar aggregate classification (germline): Uncertain significance. Review status: criteria provided, multiple submitters, no conflicts (2 of 4 stars). 2 submissions from 2 submitters: Uncertain significance (2). Last evaluated 2025-11-19.

Conditions:
Inborn genetic diseases. Identifiers: MedGen C0950123, MeSH D030342.

Submissions (2):

Ambry Genetics
Classification: Uncertain significance for Inborn genetic diseases. Last evaluated: 2025-11-19. Review status: criteria provided, single submitter. Criteria: Ambry Variant Classification Scheme 2023. Collection method: clinical testing. Allele origin: germline.

Labcorp Genetics (formerly Invitae), Labcorp
Classification: Uncertain significance. Last evaluated: 2025-08-20. Review status: criteria provided, single submitter. Criteria: Invitae Variant Classification Sherloc (09022015). Collection method: clinical testing. Allele origin: germline.
Comment: This sequence change replaces alanine, which is neutral and non-polar, with threonine, which is neutral and polar, at codon 248 of the NACC1 protein (p.Ala248Thr). This variant is not present in population databases (gnomAD no frequency). This variant has not been reported in the literature in individuals affected with NACC1-related conditions. Invitae Evidence Modeling of protein sequence and biophysical properties (such as structural, functional, and spatial information, amino acid conservation, physicochemical variation, residue mobility, and thermodynamic stability) indicates that this missense variant is not expected to disrupt NACC1 protein function with a negative predictive value of 80%. In summary, the available evidence is currently insufficient to determine the role of this variant in disease. Therefore, it has been classified as a Variant of Uncertain Significance.

NM_052876.4(NACC1):c.742G>A (p.Ala248Thr)

Gene: NACC1 (nucleus accumbens associated 1; plus strand). Cytogenetic location: 19p13.13.
Variant type: single nucleotide variant.
Coding change: c.742G>A on transcript NM_052876.4 (MANE Select); coding-DNA position 742, G replaced by A.
Protein change: p.Ala248Thr; replaces alanine 248 with threonine.
Molecular consequence: missense variant.
Genome position (GRCh38, 1-based): chr19:13,135,949, G>A. VCF-style: chr19-13135949-G-A. GRCh37 (hg19) VCF-style: chr19-13246763-G-A.
Other names: short protein forms A248T.
Identifiers: ClinVar variation 4625719 (VCV004625719.2).